The following is an entry in ClinVar:

NC_000001.10:g.(?_76211471)_(76227075_?)dup

Gene: ACADM (acyl-CoA dehydrogenase medium chain; plus strand). Cytogenetic location: 1p31.1.
Variant type: Duplication.
Identifiers: ClinVar variation 3247653 (VCV003247653.1).

ClinVar aggregate classification (germline): Likely pathogenic (1 of 4 stars; one submission).

Conditions:
Medium-chain acyl-coenzyme A dehydrogenase deficiency (ACADMD). Also called: Medium chain acyl-CoA dehydrogenase deficiency; CARNITINE DEFICIENCY SECONDARY TO MEDIUM-CHAIN ACYL-CoA DEHYDROGENASE DEFICIENCY; MCAD Deficiency; MCADH DEFICIENCY; ACADM DEFICIENCY; MCADD. Identifiers: Orphanet 42, MedGen C0220710, MONDO:0008721, OMIM 201450.

Submission:

Labcorp Genetics (formerly Invitae), Labcorp
Classification: Likely pathogenic for Medium-chain acyl-coenzyme A dehydrogenase deficiency. Last evaluated: 2023-02-11. Review status: criteria provided, single submitter. Criteria: Invitae Variant Classification Sherloc (09022015). Collection method: clinical testing. Allele origin: unknown.
Comment: This variant results in a copy number gain of the genomic region encompassing exon(s) 8-11 of the ACADM gene. While the exact position of this variant cannot be determined from the data, sub-genic copy number gains are generally in tandem (PMID: 25640679). This variant is predicted to be out-of-frame, and may result in an absent or disrupted protein product. Loss-of-function variants in ACADM are known to be pathogenic (PMID: 16121256, 20434380). This variant has not been reported in the literature in individuals affected with ACADM-related conditions. In summary, the currently available evidence indicates that the variant is pathogenic, but additional data are needed to prove that conclusively. Therefore, this variant has been classified as Likely Pathogenic.

Literature cited by the submitters: PubMed 25640679; PubMed 16121256; PubMed 20434380.